The following is an entry in ClinVar:

NC_000015.10:g.48494240_48494250delinsGGTAAA

Gene: FBN1 (fibrillin 1; minus strand). Cytogenetic location: 15q21.1.
Variant type: Indel.
Genome position: GRCh38 VCF-style: chr15-48494240-TACCACATATG-GGTAAA. GRCh37 (hg19) VCF-style: chr15-48786437-TACCACATATG-GGTAAA.
Other names: c.2682_2692delinsTTTACC, p.Ile895fs (LRG_778t1).
Identifiers: ClinVar variation 457176 (VCV000457176.5), dbSNP rs1555399095, ClinGen allele CA658656472.
Genomic context (GRCh38, chr15:48,494,240, plus strand): 5'-TGGTTTATAAGTAATCAGAAATACCTTCACATTGTGTTCCTTTAATTCTTGAGTACCCTT[TACCACATATG>GGTAAA]GGATCTGTAATAAAAAGCGAAAAACAAAACAGAAAACAAATTTGAGATAACAATATCCAG-3'

ClinVar aggregate classification (germline): Pathogenic (1 of 4 stars; one submission).

Conditions:
Marfan syndrome (MFS). Also called: MARFAN SYNDROME, TYPE I; FBN1-Related Marfan Syndrome; Marfan syndrome type 1; Marfan's syndrome; Marfan syndrome, classic. Identifiers: Orphanet 284963, Orphanet 558, MedGen C0024796, MONDO:0007947, OMIM 154700.
Familial thoracic aortic aneurysm and aortic dissection (TAAD). Also called: Thoracic aortic aneurysms and dissections. Identifiers: Orphanet 91387, MedGen C4707243, MONDO:0019625.

Submission:

Labcorp Genetics (formerly Invitae), Labcorp
Classification: Pathogenic for Marfan syndrome; Familial thoracic aortic aneurysm and aortic dissection. Last evaluated: 2022-08-24. Review status: criteria provided, single submitter. Criteria: Invitae Variant Classification Sherloc (09022015). Collection method: clinical testing. Allele origin: germline.
Comment: This sequence change creates a premature translational stop signal (p.Ile895Leufs*8) in the FBN1 gene. It is expected to result in an absent or disrupted protein product. Loss-of-function variants in FBN1 are known to be pathogenic (PMID: 17657824, 19293843). Information on the frequency of this variant in the gnomAD database is not available, as this variant may be reported differently in the database. This variant has not been reported in the literature in individuals affected with FBN1-related conditions. For these reasons, this variant has been classified as Pathogenic.

Literature cited by the submitters: PubMed 17657824; PubMed 19293843.